The following is an entry in ClinVar:

NM_004560.4(ROR2):c.533G>A (p.Arg178Gln)

Gene: ROR2 (receptor tyrosine kinase like orphan receptor 2; minus strand). Cytogenetic location: 9q22.31.
Variant type: single nucleotide variant.
Coding change: c.533G>A on transcript NM_004560.4 (MANE Select); coding-DNA position 533, G replaced by A.
Protein change: p.Arg178Gln; replaces arginine 178 with glutamine.
Molecular consequence: missense variant.
Genome position (GRCh38, 1-based): chr9:91,737,480, C>T on the plus strand (G>A on the coding strand, the complement: ROR2 is on the minus strand). VCF-style: chr9-91737480-C-T. GRCh37 (hg19) VCF-style: chr9-94499762-C-T.
Other names: c.533G>A (NM_004560.3); c.533G>A, p.Arg178Gln (NM_001318204.2); short protein forms R178Q.
Identifiers: ClinVar variation 1053432 (VCV001053432.11), dbSNP rs746562213, ClinGen allele CA5120979.

ClinVar aggregate classification (germline): Uncertain significance. Review status: criteria provided, multiple submitters, no conflicts (2 of 4 stars). 3 submissions from 3 submitters: Uncertain significance (3). Last evaluated 2025-08-19.

Conditions:
Inborn genetic diseases. Identifiers: MedGen C0950123, MeSH D030342.
Brachydactyly type B1 (BDB1). Identifiers: Orphanet 572385, Orphanet 93383, MedGen C1862112, MONDO:0007220, OMIM 113000.
Autosomal recessive Robinow syndrome (RRS1). Also called: ROBINOW SYNDROME, AUTOSOMAL RECESSIVE 1; COSTOVERTEBRAL SEGMENTATION DEFECT WITH MESOMELIA; COVESDEM SYNDROME; ROR2-Related Robinow Syndrome. Identifiers: Orphanet 1507, Orphanet 97360, MedGen C5399974, MONDO:0009999, OMIM 268310.

Allele frequency attached by ClinVar (database versions not stated): gnomAD 0.00001; gnomAD exomes 0.00001 and 0.00003; TOPMed 0.00001.
gnomAD v4.1: 22 of 1,614,026 alleles (0.0014%); highest among the groups gnomAD compares: Admixed American, 0.013%; no homozygotes.

Submissions (3):

Ambry Genetics
Classification: Uncertain significance for Inborn genetic diseases. Last evaluated: 2025-08-19. Review status: criteria provided, single submitter. Criteria: Ambry Variant Classification Scheme 2023. Collection method: clinical testing. Allele origin: germline.

Labcorp Genetics (formerly Invitae), Labcorp
Classification: Uncertain significance. Last evaluated: 2023-06-04. Review status: criteria provided, single submitter. Criteria: Invitae Variant Classification Sherloc (09022015). Collection method: clinical testing. Allele origin: germline.
Comment: This variant has not been reported in the literature in individuals affected with ROR2-related conditions. This variant is present in population databases (rs746562213, gnomAD 0.01%). ClinVar contains an entry for this variant (Variation ID: 1053432). This sequence change replaces arginine, which is basic and polar, with glutamine, which is neutral and polar, at codon 178 of the ROR2 protein (p.Arg178Gln). In summary, the available evidence is currently insufficient to determine the role of this variant in disease. Therefore, it has been classified as a Variant of Uncertain Significance. Advanced modeling of protein sequence and biophysical properties (such as structural, functional, and spatial information, amino acid conservation, physicochemical variation, residue mobility, and thermodynamic stability) performed at Invitae indicates that this missense variant is not expected to disrupt ROR2 protein function.

Fulgent Genetics
Classification: Uncertain significance for Brachydactyly type B1; Autosomal recessive Robinow syndrome. Last evaluated: 2021-12-01. Review status: criteria provided, single submitter. Criteria: ACMG Guidelines, 2015. Collection method: clinical testing. Allele origin: unknown.